The following is an entry in ClinVar:

NM_139058.3(ARX):c.152C>G (p.Pro51Arg)

Gene: ARX (aristaless related homeobox; minus strand). Cytogenetic location: Xp21.3.
Variant type: single nucleotide variant.
Coding change: c.152C>G on transcript NM_139058.3 (MANE Select); coding-DNA position 152, C replaced by G.
Protein change: p.Pro51Arg; replaces proline 51 with arginine.
Molecular consequence: missense variant.
Genome position (GRCh38, 1-based): chrX:25,015,586, G>C on the plus strand (C>G on the coding strand, the complement: ARX is on the minus strand). VCF-style: chrX-25015586-G-C. GRCh37 (hg19) VCF-style: chrX-25033703-G-C.
Other names: short protein forms P51R.
Identifiers: ClinVar variation 2151023 (VCV002151023.1), dbSNP rs990387676, ClinGen allele CA327733197.

ClinVar aggregate classification (germline): Uncertain significance (1 of 4 stars; one submission).

Conditions:
Developmental and epileptic encephalopathy, 1 (DEE1). Also called: X-linked infantile spasms; West's syndrome; Tonic spasms with clustering, arrest of psychomotor development and hypsarrhythmia on EEG; X-Linked Infantile Spasm Syndrome; Epileptic encephalopathy, early infantile, 1; INFANTILE SPASM SYNDROME, X-LINKED 1. Identifiers: MedGen C3463992, MONDO:0010632, OMIM 308350. Disease mechanism: loss of function.
Intellectual disability, X-linked, with or without seizures, ARX-related. Also called: MENTAL RETARDATION, X-LINKED 29; MENTAL RETARDATION, X-LINKED 32; MENTAL RETARDATION, X-LINKED 33; MENTAL RETARDATION, X-LINKED 38; MENTAL RETARDATION, X-LINKED 43; MENTAL RETARDATION, X-LINKED 76. Identifiers: Orphanet 777, MedGen C0796244, MONDO:0010317, OMIM 300419.

gnomAD v4.1: 6 of 1,210,750 alleles (0.0005%); highest among the groups gnomAD compares: Non-Finnish European, 0.00067%; no homozygotes.

Submission:

Labcorp Genetics (formerly Invitae), Labcorp
Classification: Uncertain significance for Developmental and epileptic encephalopathy, 1; Intellectual disability, X-linked, with or without seizures, ARX-related. Last evaluated: 2022-07-12. Review status: criteria provided, single submitter. Criteria: Invitae Variant Classification Sherloc (09022015). Collection method: clinical testing. Allele origin: germline.
Comment: This sequence change replaces proline, which is neutral and non-polar, with arginine, which is basic and polar, at codon 51 of the ARX protein (p.Pro51Arg). This variant is not present in population databases (gnomAD no frequency). This variant has not been reported in the literature in individuals affected with ARX-related conditions. Advanced modeling of protein sequence and biophysical properties (such as structural, functional, and spatial information, amino acid conservation, physicochemical variation, residue mobility, and thermodynamic stability) performed at Invitae indicates that this missense variant is expected to disrupt ARX protein function. In summary, the available evidence is currently insufficient to determine the role of this variant in disease. Therefore, it has been classified as a Variant of Uncertain Significance.